The following is an entry in ClinVar:

ClinVar aggregate classification (germline): Uncertain significance (1 of 4 stars; one submission).

Conditions:
Brain small vessel disease 1 with or without ocular anomalies (BSVD1). Also called: PORENCEPHALY, TYPE 1, AUTOSOMAL DOMINANT; GOULD SYNDROME 1; Brain small vessel disease with or without ocular anomalies; BRAIN SMALL VESSEL DISEASE WITH HEMORRHAGE. Identifiers: Orphanet 2940, Orphanet 36383, Orphanet 99810, MedGen C4755307, MONDO:0008289, OMIM 175780.

Submission:

3billion
Classification: Uncertain significance for Brain small vessel disease 1 with or without ocular anomalies. Last evaluated: 2025-01-06. Review status: criteria provided, single submitter. Criteria: ACMG Guidelines, 2015. Collection method: clinical testing. Allele origin: germline. Affected: yes.
Comment: The variant is not observed in the gnomAD v4.1.0 dataset. Predicted Consequence/Location: Missense variant. Missense changes are a common disease-causing mechanism. In silico tool predictions suggest damaging effect of the variant on gene or gene product [REVEL: 0.94 (>=0.6, sensitivity 0.68 and specificity 0.92); 3Cnet: 0.91 (>=0.6, sensitivity 0.72 and precision 0.9)]. A different missense change at the same codon (p.Gly814Val) has been reported to be associated with COL4A1-related disorder (PMID: 32446163). However the evidence of pathogenicity is insufficient at this time. Therefore, this variant is classified as VUS according to the recommendation of ACMG/AMP guideline.

Literature cited by the submitters: PubMed 32446163.

NM_001845.6(COL4A1):c.2441G>A (p.Gly814Glu)

Gene: COL4A1 (collagen type IV alpha 1 chain; minus strand). Cytogenetic location: 13q34.
Variant type: single nucleotide variant.
Coding change: c.2441G>A on transcript NM_001845.6 (MANE Select); coding-DNA position 2441, G replaced by A.
Protein change: p.Gly814Glu; replaces glycine 814 with glutamic acid.
Molecular consequence: missense variant.
Genome position (GRCh38, 1-based): chr13:110,178,940, C>T on the plus strand (G>A on the coding strand, the complement: COL4A1 is on the minus strand). VCF-style: chr13-110178940-C-T. GRCh37 (hg19) VCF-style: chr13-110831287-C-T.
Other names: short protein forms G814E.
Identifiers: ClinVar variation 4293516 (VCV004293516.1).
Genomic context (GRCh38, chr13:110,178,940, plus strand): 5'-GCATGCTTTTGGGAACAGATAATTCTAGAAGCATGTCACTCACCTGACAACCCCGGTGGT[C>T]CCTGTCCTCCAGGGGGACCCCTAGCTCCAGGGGGGCCTATTCCTGGAACTCCTGGAGACC-3'
Protein context (NP_001836.3, residues 804-824): PGARGPPGGQ[Gly814Glu]PPGLSGPPGI